The following is an entry in ClinVar:

ClinVar aggregate classification (germline): Uncertain significance (1 of 4 stars; one submission).

Conditions:
Epilepsy, childhood absence, susceptibility to, 1. Also called: Epilepsy, childhood absence 1. Identifiers: Orphanet 64280, MedGen C1838604, MONDO:0020759, OMIM 600131.
Epilepsy, childhood absence, susceptibility to, 5. Identifiers: Orphanet 64280, MedGen C2677087, MONDO:0012843, OMIM 612269.

Submission:

Labcorp Genetics (formerly Invitae), Labcorp
Classification: Uncertain significance for Epilepsy, childhood absence, susceptibility to, 5; Epilepsy, childhood absence, susceptibility to, 1. Last evaluated: 2024-06-26. Review status: criteria provided, single submitter. Criteria: Invitae Variant Classification Sherloc (09022015). Collection method: clinical testing. Allele origin: germline.
Comment: This sequence change replaces aspartic acid, which is acidic and polar, with glycine, which is neutral and non-polar, at codon 444 of the GABRB3 protein (p.Asp444Gly). This variant is not present in population databases (gnomAD no frequency). This variant has not been reported in the literature in individuals affected with GABRB3-related conditions. Advanced modeling of protein sequence and biophysical properties (such as structural, functional, and spatial information, amino acid conservation, physicochemical variation, residue mobility, and thermodynamic stability) has been performed at Invitae for this missense variant, however the output from this modeling did not meet the statistical confidence thresholds required to predict the impact of this variant on GABRB3 protein function. In summary, the available evidence is currently insufficient to determine the role of this variant in disease. Therefore, it has been classified as a Variant of Uncertain Significance.

NM_000814.6(GABRB3):c.1331A>G (p.Asp444Gly)

Gene: GABRB3 (gamma-aminobutyric acid type A receptor subunit beta3; minus strand). Cytogenetic location: 15q12.
Variant type: single nucleotide variant.
Coding change: c.1331A>G on transcript NM_000814.6 (MANE Select); coding-DNA position 1331, A replaced by G.
Protein change: p.Asp444Gly; replaces aspartic acid 444 with glycine.
Molecular consequence: missense variant.
Genome position (GRCh38, 1-based): chr15:26,547,884, T>C on the plus strand (A>G on the coding strand, the complement: GABRB3 is on the minus strand). VCF-style: chr15-26547884-T-C. GRCh37 (hg19) VCF-style: chr15-26793031-T-C.
Other names: c.1076A>G, p.Asp359Gly (NM_001191320.2, NM_001278631.2); c.1118A>G, p.Asp373Gly (NM_001191321.3); c.1331A>G, p.Asp444Gly (NM_021912.5); short protein forms D359G, D373G, D444G.
Identifiers: ClinVar variation 3754023 (VCV003754023.2).
Genomic context (GRCh38, chr15:26,547,884, plus strand): 5'-TTGAAAAGAGAAAAAGTGAATGGAAACACGATCCTGGACCATCTGTCTATGGCATTCACA[T>C]CGGTTAGATCAGGTATTTTAATTTTGAGCTGTGAAGACCTCCTCCGTAGATGGGTCTTCT-3'
Protein context (NP_000805.1, residues 434-454): QLKIKIPDLT[Asp444Gly]VNAIDRWSRI